The following is an entry in ClinVar:

NM_004304.5(ALK):c.4605_4606insAAGGAGCCACACGAGAGGGGTAACCTGGGGCTG (p.Leu1535_Glu1536insLysGluProHisGluArgGlyAsnLeuGlyLeu)

Gene: ALK (ALK receptor tyrosine kinase; minus strand). Cytogenetic location: 2p23.2.
Variant type: Insertion.
Coding change: c.4605_4606insAAGGAGCCACACGAGAGGGGTAACCTGGGGCTG on transcript NM_004304.5 (MANE Select); coding-DNA positions 4605 to 4606, AAGGAGCCACACGAGAGGGGTAACCTGGGGCTG inserted.
Protein change: p.Leu1535_Glu1536insLysGluProHisGluArgGlyAsnLeuGlyLeu.
Molecular consequence: inframe insertion.
Genome position: GRCh38: chr2:29,193,499-29,193,500. GRCh37 (hg19): chr2:29,416,365-29,416,366.
Other names: c.1401_1402insAAGGAGCCACACGAGAGGGGTAACCTGGGGCTG, p.Leu467_Glu468insLysGluProHisGluArgGlyAsnLeuGlyLeu (NM_001353765.2).
Identifiers: ClinVar variation 1355786 (VCV001355786.6), dbSNP rs2148137777, ClinGen allele CA2573134629.

ClinVar aggregate classification (germline): Uncertain significance (1 of 4 stars; one submission).

Conditions:
Neuroblastoma, susceptibility to, 3. Also called: ALK-Related Neuroblastic Tumor Susceptibility. Identifiers: Orphanet 635, MedGen C2751681, MONDO:0013083, OMIM 613014.

Submission:

Labcorp Genetics (formerly Invitae), Labcorp
Classification: Uncertain significance for Neuroblastoma, susceptibility to, 3. Last evaluated: 2023-07-29. Review status: criteria provided, single submitter. Criteria: Invitae Variant Classification Sherloc (09022015). Collection method: clinical testing. Allele origin: germline.
Comment: ClinVar contains an entry for this variant (Variation ID: 1355786). Experimental studies and prediction algorithms are not available or were not evaluated, and the functional significance of this variant is currently unknown. In summary, the available evidence is currently insufficient to determine the role of this variant in disease. Therefore, it has been classified as a Variant of Uncertain Significance. This variant has not been reported in the literature in individuals affected with ALK-related conditions. This variant, c.4605_4606ins33, results in the insertion of 11 amino acid(s) of the ALK protein (p.Leu1535_Glu1536ins11), but otherwise preserves the integrity of the reading frame. This variant is not present in population databases (gnomAD no frequency).